The following is an entry in ClinVar:

ClinVar aggregate classification (germline): Pathogenic/Likely pathogenic. Review status: criteria provided, multiple submitters, no conflicts (2 of 4 stars). 2 submissions from 2 submitters: Pathogenic (1); Likely pathogenic (1). Last evaluated 2025-08-01.

Conditions:
Developmental and epileptic encephalopathy, 78. Also called: EPILEPTIC ENCEPHALOPATHY, EARLY INFANTILE, 78. Identifiers: MedGen C5231409, MONDO:0032812, OMIM 618557.

Submissions (2):

CeGaT Center for Human Genetics Tuebingen
Classification: Likely pathogenic. Last evaluated: 2025-08-01. Review status: criteria provided, single submitter. Criteria: CeGaT Center For Human Genetics Tuebingen Variant Classification Criteria Version 2. Collection method: clinical testing. Allele origin: germline. Affected: yes. Observed: 1 variant allele.
Comment: GABRA2: PM2, PM5, PS2:Moderate, PP2, PP3

Institute of Human Genetics, FAU Erlangen, Friedrich-Alexander-Universität Erlangen-Nürnberg
Classification: Pathogenic for Developmental and epileptic encephalopathy, 78. Last evaluated: 2024-02-27. Review status: criteria provided, single submitter. Criteria: Hauer et al. (Genet Med. 2018). Collection method: clinical testing. Allele origin: germline. Inheritance: Autosomal dominant inheritance. Affected: yes. Observed: 1 variant allele.
Comment: This variant has been identified by standard clinical testing. Selected ACMG criteria: Pathogenic (III):PP3;PP2;PM2;PM1;PS2

NM_000807.4(GABRA2):c.881C>T (p.Thr294Ile)

Gene: GABRA2 (gamma-aminobutyric acid type A receptor subunit alpha2; minus strand). Cytogenetic location: 4p12.
Variant type: single nucleotide variant.
Coding change: c.881C>T on transcript NM_000807.4 (MANE Select); coding-DNA position 881, C replaced by T.
Protein change: p.Thr294Ile; replaces threonine 294 with isoleucine.
Molecular consequence: missense variant.
Genome position (GRCh38, 1-based): chr4:46,262,104, G>A on the plus strand (C>T on the coding strand, the complement: GABRA2 is on the minus strand). VCF-style: chr4-46262104-G-A. GRCh37 (hg19) VCF-style: chr4-46264121-G-A.
Other names: c.881C>T, p.Thr294Ile (NM_001114175.3, NM_001330690.2, NM_001377144.1 and 8 more transcripts); c.716C>T, p.Thr239Ile (NM_001286827.3, NM_001377152.1, NM_001377153.1 and 1 more transcripts); short protein forms T239I, T294I.
Identifiers: ClinVar variation 2571202 (VCV002571202.28), dbSNP rs2475296327, ClinGen allele CA356804505.